The following is an entry in ClinVar:

ClinVar aggregate classification (germline): Uncertain significance (1 of 4 stars; one submission).

gnomAD v4.1: 19 of 1,613,238 alleles (0.0012%); highest among the groups gnomAD compares: South Asian, 0.019%; 1 homozygote.

Submission:

Labcorp Genetics (formerly Invitae), Labcorp
Classification: Uncertain significance. Last evaluated: 2025-03-17. Review status: criteria provided, single submitter. Criteria: Invitae Variant Classification Sherloc (09022015). Collection method: clinical testing. Allele origin: germline.
Comment: This sequence change replaces threonine, which is neutral and polar, with proline, which is neutral and non-polar, at codon 1888 of the ALPK3 protein (p.Thr1888Pro). This variant is present in population databases (rs751858888, gnomAD 0.03%). This variant has not been reported in the literature in individuals affected with ALPK3-related conditions. Invitae Evidence Modeling of protein sequence and biophysical properties (such as structural, functional, and spatial information, amino acid conservation, physicochemical variation, residue mobility, and thermodynamic stability) indicates that this missense variant is not expected to disrupt ALPK3 protein function with a negative predictive value of 80%. In summary, the available evidence is currently insufficient to determine the role of this variant in disease. Therefore, it has been classified as a Variant of Uncertain Significance.

NM_020778.5(ALPK3):c.5056A>C (p.Thr1686Pro)

Gene: ALPK3 (alpha kinase 3; plus strand). Cytogenetic location: 15q25.3.
Variant type: single nucleotide variant.
Coding change: c.5056A>C on transcript NM_020778.5 (MANE Select); coding-DNA position 5056, A replaced by C.
Protein change: p.Thr1686Pro; replaces threonine 1686 with proline.
Molecular consequence: missense variant.
Genome position (GRCh38, 1-based): chr15:84,868,394, A>C. VCF-style: chr15-84868394-A-C. GRCh37 (hg19) VCF-style: chr15-85411625-A-C.
Other names: short protein forms T1686P.
Identifiers: ClinVar variation 4761131 (VCV004761131.1).